The following is an entry in ClinVar:

NM_172107.4(KCNQ2):c.722T>C (p.Leu241Pro)

Gene: KCNQ2 (potassium voltage-gated channel subfamily Q member 2; minus strand). Cytogenetic location: 20q13.33.
Variant type: single nucleotide variant.
Coding change: c.722T>C on transcript NM_172107.4 (MANE Select); coding-DNA position 722, T replaced by C.
Protein change: p.Leu241Pro; replaces leucine 241 with proline.
Molecular consequence: missense variant.
Genome position (GRCh38, 1-based): chr20:63,442,500, A>G on the plus strand (T>C on the coding strand, the complement: KCNQ2 is on the minus strand). VCF-style: chr20-63442500-A-G. GRCh37 (hg19) VCF-style: chr20-62073853-A-G.
Other names: c.722T>C, p.Leu241Pro (NM_001382235.1, NM_004518.6, NM_172106.3 and 2 more transcripts); short protein forms L241P.
Identifiers: ClinVar variation 1357963 (VCV001357963.7), dbSNP rs2145736444, ClinGen allele CA409653999.

ClinVar aggregate classification (germline): Pathogenic (1 of 4 stars; one submission).

Conditions:
Early-infantile DEE. Also called: Early infantile epileptic encephalopathy with suppression bursts; Ohtahara syndrome; Early infantile epileptic encephalopathy. Identifiers: Orphanet 1934, MedGen C0393706, MONDO:0800491.

Submission:

Labcorp Genetics (formerly Invitae), Labcorp
Classification: Pathogenic for Early-infantile DEE. Last evaluated: 2022-06-13. Review status: criteria provided, single submitter. Criteria: Invitae Variant Classification Sherloc (09022015). Collection method: clinical testing. Allele origin: germline.
Comment: This sequence change replaces leucine, which is neutral and non-polar, with proline, which is neutral and non-polar, at codon 241 of the KCNQ2 protein (p.Leu241Pro). This variant is not present in population databases (gnomAD no frequency). This missense change has been observed in individual(s) with clinical features of KCNQ2-related conditions (Invitae). In at least one individual the variant was observed to be de novo. Advanced modeling of protein sequence and biophysical properties (such as structural, functional, and spatial information, amino acid conservation, physicochemical variation, residue mobility, and thermodynamic stability) performed at Invitae indicates that this missense variant is expected to disrupt KCNQ2 protein function. For these reasons, this variant has been classified as Pathogenic.